The following is an entry in ClinVar:

ClinVar aggregate classification (germline): Uncertain significance. Review status: criteria provided, multiple submitters, no conflicts (2 of 4 stars). 2 submissions from 2 submitters: Uncertain significance (2). Last evaluated 2023-08-05.

Conditions:
Inborn genetic diseases. Identifiers: MedGen C0950123, MeSH D030342.
Giant axonal neuropathy 1 (GAN1). Also called: GAN-Related Neurodegeneration; GIANT AXONAL NEUROPATHY 1, AUTOSOMAL RECESSIVE. Identifiers: Orphanet 643, MedGen C1850386, MONDO:0009749, OMIM 256850.

gnomAD v4.1: 4 of 1,558,932 alleles (0.00026%); highest among the groups gnomAD compares: Non-Finnish European, 0.00035%; no homozygotes.

Submissions (2):

Ambry Genetics
Classification: Uncertain significance for Inborn genetic diseases. Last evaluated: 2023-08-05. Review status: criteria provided, single submitter. Criteria: Ambry Variant Classification Scheme 2023. Collection method: clinical testing. Allele origin: germline.

Labcorp Genetics (formerly Invitae), Labcorp
Classification: Uncertain significance for Giant axonal neuropathy 1. Last evaluated: 2022-05-07. Review status: criteria provided, single submitter. Criteria: Invitae Variant Classification Sherloc (09022015). Collection method: clinical testing. Allele origin: germline.
Comment: This variant has not been reported in the literature in individuals affected with GAN-related conditions. In summary, the available evidence is currently insufficient to determine the role of this variant in disease. Therefore, it has been classified as a Variant of Uncertain Significance. Algorithms developed to predict the effect of missense changes on protein structure and function are either unavailable or do not agree on the potential impact of this missense change (SIFT: "Deleterious"; PolyPhen-2: "Benign"; Align-GVGD: "Class C0"). This variant is not present in population databases (gnomAD no frequency). This sequence change replaces arginine, which is basic and polar, with glutamine, which is neutral and polar, at codon 18 of the GAN protein (p.Arg18Gln).

NM_022041.4(GAN):c.53G>A (p.Arg18Gln)

Genes: GAN (gigaxonin; plus strand), LOC130059498 (ATAC-STARR-seq lymphoblastoid silent region 7753; plus strand). Cytogenetic location: 16q23.2.
Variant type: single nucleotide variant.
Coding change: c.53G>A on transcript NM_022041.4 (MANE Select); coding-DNA position 53, G replaced by A.
Protein change: p.Arg18Gln; replaces arginine 18 with glutamine.
Molecular consequence: missense variant. On other transcripts: 5 prime UTR variant (1).
Genome position (GRCh38, 1-based): chr16:81,315,166, G>A. VCF-style: chr16-81315166-G-A. GRCh37 (hg19) VCF-style: chr16-81348771-G-A.
Other names: c.-472G>A (NM_001377486.1); short protein forms R18Q.
Identifiers: ClinVar variation 1991576 (VCV001991576.6), dbSNP rs761688537, ClinGen allele CA396854489.